The following is an entry in ClinVar:

ClinVar aggregate classification (germline): Likely pathogenic (1 of 4 stars; one submission).

Conditions:
Hypertrophic cardiomyopathy 4. Also called: Familial hypertrophic cardiomyopathy 4. Identifiers: MedGen C1861862, MONDO:0007268, OMIM 115197.

Submission:

Juno Genomics, Hangzhou Juno Genomics, Inc
Classification: Likely pathogenic for Hypertrophic cardiomyopathy 4. Review status: criteria provided, single submitter. Criteria: ACMG Guidelines, 2015. Collection method: clinical testing. Allele origin: germline.
Comment: Absent from controls (or at extremely low frequency if recessive) in Genome Aggregation Database.;Null variant in a gene where loss of function (LOF) is a known mechanism of disease.

NM_000256.3(MYBPC3):c.1969dup (p.Asp657fs)

Gene: MYBPC3 (myosin binding protein C3; minus strand). Cytogenetic location: 11p11.2.
Variant type: Duplication.
Coding change: c.1969dup on transcript NM_000256.3 (MANE Select); coding-DNA position 1969, one base duplicated (G; older notation c.1969dupG).
Protein change: p.Asp657fs; shifts the reading frame from aspartic acid 657.
Molecular consequence: frameshift variant.
Genome position (GRCh38, 1-based): chr11:47,339,749, C duplicated on the plus strand (G on the coding strand, the reverse complement: MYBPC3 is on the minus strand). VCF-style (leftmost placement, unchanged base first): chr11-47339748-T-TC. GRCh37 (hg19) VCF-style: chr11-47361299-T-TC.
Other names: short protein forms D657fs.
Identifiers: ClinVar variation 5019148 (VCV005019148.2).
Genomic context (GRCh38, chr11:47,339,748, plus strand): 5'-GGGTCCCCAGAGATAGGGACGTCCAGACGTAGCTTATTTCCAGCTACAACCACAATGGTG[T>TC]CTGGTATGCGGCCTGGGCAGTCCAGGTGGATCTTGGGAGGTTCTGCAGAAGACACAATGT-3'